The following is an entry in ClinVar:

NM_053025.4(MYLK):c.1057C>A (p.Gln353Lys)

Gene: MYLK (myosin light chain kinase; minus strand). Cytogenetic location: 3q21.1.
Variant type: single nucleotide variant.
Coding change: c.1057C>A on transcript NM_053025.4 (MANE Select); coding-DNA position 1057, C replaced by A.
Protein change: p.Gln353Lys; replaces glutamine 353 with lysine.
Molecular consequence: missense variant.
Genome position (GRCh38, 1-based): chr3:123,733,939, G>T on the plus strand (C>A on the coding strand, the complement: MYLK is on the minus strand). VCF-style: chr3-123733939-G-T. GRCh37 (hg19) VCF-style: chr3-123452786-G-T.
Other names: c.529C>A, p.Gln177Lys (NM_001321309.2); c.1057C>A, p.Gln353Lys (NM_053026.4, NM_053027.4, NM_053028.4); short protein forms Q353K, Q177K.
Identifiers: ClinVar variation 3702752 (VCV003702752.2).
Genomic context (GRCh38, chr3:123,733,939, plus strand): 5'-TCTTCCTCTCTTCTCCAGAAGGTGATAGGACCCCCAGGCCTGGTGCTCTTGGTTCCGGCT[G>T]AACTCTTGCGGCCTGCAGGGTGATGGAGCTGGAAGTCTTCTGAAGGACCGGGGTCTGCGG-3'
Protein context (NP_444253.3, residues 343-363): SSITLQAARV[Gln353Lys]PEPRAPGLGV

ClinVar aggregate classification (germline): Uncertain significance (1 of 4 stars; one submission).

Conditions:
Aortic aneurysm, familial thoracic 7 (AAT7). Also called: AORTIC DISSECTION, FAMILIAL, WITH OR WITHOUT AORTIC ANEURYSM. Identifiers: MedGen C3151077, MONDO:0013418, OMIM 613780.

gnomAD v4.1: 12 of 1,614,194 alleles (0.00074%); highest among the groups gnomAD compares: Non-Finnish European, 0.001%; no homozygotes.

Submission:

Labcorp Genetics (formerly Invitae), Labcorp
Classification: Uncertain significance for Aortic aneurysm, familial thoracic 7. Last evaluated: 2024-07-03. Review status: criteria provided, single submitter. Criteria: Invitae Variant Classification Sherloc (09022015). Collection method: clinical testing. Allele origin: germline.
Comment: This sequence change replaces glutamine, which is neutral and polar, with lysine, which is basic and polar, at codon 353 of the MYLK protein (p.Gln353Lys). This variant is present in population databases (rs144222004, gnomAD 0.002%). This missense change has been observed in individual(s) with clinical features of MYLK-related conditions (PMID: 29907982). Advanced modeling of protein sequence and biophysical properties (such as structural, functional, and spatial information, amino acid conservation, physicochemical variation, residue mobility, and thermodynamic stability) performed at Invitae indicates that this missense variant is not expected to disrupt MYLK protein function with a negative predictive value of 95%. In summary, the available evidence is currently insufficient to determine the role of this variant in disease. Therefore, it has been classified as a Variant of Uncertain Significance.

Literature cited by the submitters: PubMed 29907982.